The following is an entry in ClinVar:

NM_006231.4(POLE):c.6013G>A (p.Val2005Met)

Gene: POLE (DNA polymerase epsilon, catalytic subunit; minus strand). Cytogenetic location: 12q24.33.
Variant type: single nucleotide variant.
Coding change: c.6013G>A on transcript NM_006231.4 (MANE Select); coding-DNA position 6013, G replaced by A.
Protein change: p.Val2005Met; replaces valine 2005 with methionine.
Molecular consequence: missense variant.
Genome position (GRCh38, 1-based): chr12:132,632,787, C>T on the plus strand (G>A on the coding strand, the complement: POLE is on the minus strand). VCF-style: chr12-132632787-C-T. GRCh37 (hg19) VCF-style: chr12-133209373-C-T.
Other names: short protein forms V2005M.
Identifiers: ClinVar variation 405688 (VCV000405688.13), dbSNP rs1060500812, ClinGen allele CA16613782.

ClinVar aggregate classification (germline): Uncertain significance. Review status: criteria provided, multiple submitters, no conflicts (2 of 4 stars). 2 submissions from 2 submitters: Uncertain significance (2). Last evaluated 2025-12-08.

Conditions:
Hereditary cancer-predisposing syndrome. Also called: Hereditary Cancer Syndrome; Hereditary neoplastic syndrome; Neoplastic Syndromes, Hereditary; Tumor predisposition. Identifiers: Orphanet 140162, MedGen C0027672, MeSH D009386, MONDO:0015356.

Allele frequency attached by ClinVar (database versions not stated): TOPMed below 0.00001; gnomAD 0.00001; gnomAD exomes 0.00001.
gnomAD v4.1: 20 of 1,606,992 alleles (0.0012%); highest among the groups gnomAD compares: African/African-American, 0.0053%; no homozygotes.

Submissions (2):

Labcorp Genetics (formerly Invitae), Labcorp
Classification: Uncertain significance. Last evaluated: 2025-12-08. Review status: criteria provided, single submitter. Criteria: Invitae Variant Classification Sherloc (09022015). Collection method: clinical testing. Allele origin: germline.
Comment: This sequence change replaces valine, which is neutral and non-polar, with methionine, which is neutral and non-polar, at codon 2005 of the POLE protein (p.Val2005Met). This variant is present in population databases (no rsID available, gnomAD 0.007%). This variant has not been reported in the literature in individuals affected with POLE-related conditions. ClinVar contains an entry for this variant (Variation ID: 405688). Invitae Evidence Modeling of protein sequence and biophysical properties (such as structural, functional, and spatial information, amino acid conservation, physicochemical variation, residue mobility, and thermodynamic stability) indicates that this missense variant is not expected to disrupt POLE protein function with a negative predictive value of 80%. In summary, the available evidence is currently insufficient to determine the role of this variant in disease. Therefore, it has been classified as a Variant of Uncertain Significance.

Ambry Genetics
Classification: Uncertain significance for Hereditary cancer-predisposing syndrome. Last evaluated: 2024-05-04. Review status: criteria provided, single submitter. Criteria: Ambry Variant Classification Scheme 2023. Collection method: clinical testing. Allele origin: germline.
Comment: The p.V2005M variant (also known as c.6013G>A), located in coding exon 44 of the POLE gene, results from a G to A substitution at nucleotide position 6013. The valine at codon 2005 is replaced by methionine, an amino acid with highly similar properties. This amino acid position is conserved. In addition, this alteration is predicted to be tolerated by in silico analysis. Since supporting evidence is limited at this time, the clinical significance of this alteration remains unclear.